The following is an entry in ClinVar:

ClinVar aggregate classification (germline): Uncertain significance (1 of 4 stars; one submission).

Conditions:
Microcephaly, normal intelligence and immunodeficiency (NBS). Also called: IMMUNODEFICIENCY, MICROCEPHALY, AND CHROMOSOMAL INSTABILITY; SEEMANOVA SYNDROME II; Nijmegen breakage syndrome; Microcephaly with normal intelligence immunodeficiency and lymphoreticular malignancies; Nonsyndromal microcephaly autosomal recessive with normal intelligence; Seemanova syndrome 2. Identifiers: Orphanet 647, MedGen C0398791, MONDO:0009623, OMIM 251260.

Submission:

Labcorp Genetics (formerly Invitae), Labcorp
Classification: Uncertain significance for Microcephaly, normal intelligence and immunodeficiency. Last evaluated: 2017-01-11. Review status: criteria provided, single submitter. Criteria: Invitae Variant Classification Sherloc (09022015). Collection method: clinical testing. Allele origin: germline.
Comment: Algorithms developed to predict the effect of missense changes on protein structure and function do not agree on the potential impact of this missense change (SIFT: "Tolerated"; PolyPhen-2: "Probably Damaging"; Align-GVGD: "Class C0"). In summary, this variant is a novel missense change with uncertain impact on protein function. It has been classified as a Variant of Uncertain Significance. This variant is not present in population databases (ExAC no frequency) and has not been reported in the literature in individuals with a NBN-related disease. This sequence change replaces glutamic acid with alanine at codon 726 of the NBN protein (p.Glu726Ala). The glutamic acid residue is moderately conserved and there is a moderate physicochemical difference between glutamic acid and alanine.

NM_002485.5(NBN):c.2177A>C (p.Glu726Ala)

Gene: NBN (nibrin; minus strand). Cytogenetic location: 8q21.3.
Variant type: single nucleotide variant.
Coding change: c.2177A>C on transcript NM_002485.5 (MANE Select); coding-DNA position 2177, A replaced by C.
Protein change: p.Glu726Ala; replaces glutamic acid 726 with alanine.
Molecular consequence: missense variant.
Genome position (GRCh38, 1-based): chr8:89,943,260, T>G on the plus strand (A>C on the coding strand, the complement: NBN is on the minus strand). VCF-style: chr8-89943260-T-G. GRCh37 (hg19) VCF-style: chr8-90955488-T-G.
Other names: c.1931A>C, p.Glu644Ala (NM_001024688.3); short protein forms E726A, E644A.
Identifiers: ClinVar variation 461544 (VCV000461544.8), dbSNP rs1554555736, ClinGen allele CA371675287.